The following is an entry in ClinVar:

NM_003835.4(RGS9):c.1381G>A (p.Ala461Thr)

Gene: RGS9 (regulator of G protein signaling 9; plus strand). Cytogenetic location: 17q24.1.
Variant type: single nucleotide variant.
Coding change: c.1381G>A on transcript NM_003835.4 (MANE Select); coding-DNA position 1381, G replaced by A.
Protein change: p.Ala461Thr; replaces alanine 461 with threonine.
Molecular consequence: missense variant.
Genome position (GRCh38, 1-based): chr17:65,210,579, G>A. VCF-style: chr17-65210579-G-A. GRCh37 (hg19) VCF-style: chr17-63206697-G-A.
Other names: c.1372G>A, p.Ala458Thr (NM_001081955.3, NM_001165933.2); short protein forms A458T, A461T.
Identifiers: ClinVar variation 1957532 (VCV001957532.5), dbSNP rs1476688066, ClinGen allele CA400673003.

ClinVar aggregate classification (germline): Uncertain significance (1 of 4 stars; one submission).

Allele frequency attached by ClinVar (database versions not stated): TOPMed 0.00002; gnomAD 0.00001; gnomAD exomes 0.00001.

Submission:

Labcorp Genetics (formerly Invitae), Labcorp
Classification: Uncertain significance. Last evaluated: 2022-05-16. Review status: criteria provided, single submitter. Criteria: Invitae Variant Classification Sherloc (09022015). Collection method: clinical testing. Allele origin: germline.
Comment: This variant has not been reported in the literature in individuals affected with RGS9-related conditions. This sequence change replaces alanine, which is neutral and non-polar, with threonine, which is neutral and polar, at codon 461 of the RGS9 protein (p.Ala461Thr). This variant is present in population databases (no rsID available, gnomAD 0.006%). Algorithms developed to predict the effect of missense changes on protein structure and function (SIFT, PolyPhen-2, Align-GVGD) all suggest that this variant is likely to be disruptive. In summary, the available evidence is currently insufficient to determine the role of this variant in disease. Therefore, it has been classified as a Variant of Uncertain Significance.